The following is an entry in ClinVar:

NM_001605.3(AARS1):c.239G>A (p.Gly80Asp)

Gene: AARS1 (alanyl-tRNA synthetase 1; minus strand). Cytogenetic location: 16q22.1.
Variant type: single nucleotide variant.
Coding change: c.239G>A on transcript NM_001605.3 (MANE Select); coding-DNA position 239, G replaced by A.
Protein change: p.Gly80Asp; replaces glycine 80 with aspartic acid.
Molecular consequence: missense variant.
Genome position (GRCh38, 1-based): chr16:70,277,060, C>T on the plus strand (G>A on the coding strand, the complement: AARS1 is on the minus strand). VCF-style: chr16-70277060-C-T. GRCh37 (hg19) VCF-style: chr16-70310963-C-T.
Other names: short protein forms G80D.
Identifiers: ClinVar variation 3900725 (VCV003900725.1).

ClinVar aggregate classification (germline): Uncertain significance (1 of 4 stars; one submission).

Conditions:
Charcot-Marie-Tooth disease axonal type 2N (CMT2N). Also called: Charcot-Marie-Tooth Neuropathy Type 2N; CHARCOT-MARIE-TOOTH DISEASE, AXONAL, AUTOSOMAL DOMINANT, TYPE 2N; CHARCOT-MARIE-TOOTH NEUROPATHY, AXONAL, TYPE 2N. Identifiers: Orphanet 228174, MedGen C2750090, MONDO:0013212, OMIM 613287.

Submission:

MVZ Medizinische Genetik Mainz
Classification: Uncertain significance for Charcot-Marie-Tooth disease axonal type 2N. Last evaluated: 2025-04-22. Review status: criteria provided, single submitter. Criteria: UK Practice Guidelines For Variant Classification V4 01 2020. Collection method: clinical testing. Allele origin: germline. Inheritance: Autosomal dominant inheritance. Affected: yes. Observed: 1 variant allele.
Comment: ACMG Criteria: PP3_STR,PM2_SUP